The following is an entry in ClinVar:

NM_004360.5(CDH1):c.2358C>T (p.Asp786=)

Gene: CDH1 (cadherin 1; plus strand). Cytogenetic location: 16q22.1.
Variant type: single nucleotide variant.
Coding change: c.2358C>T on transcript NM_004360.5 (MANE Select); coding-DNA position 2358, C replaced by T.
Protein change: p.Asp786=; no amino-acid change (aspartic acid 786 retained).
Molecular consequence: synonymous variant.
Genome position (GRCh38, 1-based): chr16:68,829,716, C>T. VCF-style: chr16-68829716-C-T. GRCh37 (hg19) VCF-style: chr16-68863619-C-T.
Other names: c.2175C>T, p.Asp725= (NM_001317184.2); c.810C>T, p.Asp270= (NM_001317185.2); c.393C>T, p.Asp131= (NM_001317186.2); c.2358C>T (LRG_301t1).
Identifiers: ClinVar variation 386093 (VCV000386093.23), dbSNP rs760701558, ClinGen allele CA8130263.

ClinVar aggregate classification (germline): Benign/Likely benign. Review status: criteria provided, multiple submitters, no conflicts (2 of 4 stars). 9 submissions from 9 submitters: Benign (2); Likely benign (7). Last evaluated 2026-01-19.

Conditions:
Hereditary diffuse gastric adenocarcinoma (HDGC). Also called: DIFFUSE GASTRIC AND LOBULAR BREAST CANCER SYNDROME. Identifiers: Orphanet 26106, MedGen C1708349, MONDO:0007648, OMIM 137215.
Endometrial carcinoma. Also called: Endometrial carcinoma, somatic. Identifiers: MedGen C0476089, MONDO:0002447, OMIM 608089, HP:0012114.
Familial cancer of breast. Also called: BREAST CANCER, FAMILIAL; Hereditary breast cancer; hereditary breast carcinoma. Identifiers: Orphanet 227535, MedGen C0346153, MONDO:0016419, OMIM 114480. Disease mechanism: loss of function.
Blepharocheilodontic syndrome 1 (BCDS1). Identifiers: Orphanet 1997, MedGen C4551988, MONDO:0054740, OMIM 119580.
Ovarian neoplasm. Also called: Neoplasm of ovary; Ovarian tumor; Ovarian Neoplasms. Identifiers: MedGen C0919267, MeSH D010051, MONDO:0021068, HP:0100615.
Prostate cancer. Also called: Malignant tumor of prostate. Identifiers: Orphanet 1331, MedGen C0376358, MONDO:0008315, HP:0012125.
Hereditary cancer-predisposing syndrome. Also called: Neoplastic Syndromes, Hereditary; Hereditary Cancer Syndrome; Hereditary neoplastic syndrome; Tumor predisposition. Identifiers: Orphanet 140162, MedGen C0027672, MeSH D009386, MONDO:0015356.

Allele frequency attached by ClinVar (database versions not stated): ExAC 0.00001; gnomAD exomes 0.00001; gnomAD 0.00001; TOPMed 0.00001.
gnomAD v4.1: 12 of 1,614,084 alleles (0.00074%); highest among the groups gnomAD compares: Middle Eastern, 0.016%; no homozygotes.

Submissions (9):

Labcorp Genetics (formerly Invitae), Labcorp
Classification: Benign for Hereditary diffuse gastric adenocarcinoma. Last evaluated: 2026-01-19. Review status: criteria provided, single submitter. Criteria: Invitae Variant Classification Sherloc (09022015). Collection method: clinical testing. Allele origin: germline.

Myriad Genetics, Inc.
Classification: Benign for Hereditary diffuse gastric adenocarcinoma. Last evaluated: 2024-09-23. Review status: criteria provided, single submitter. Criteria: Myriad Autosomal Dominant, Autosomal Recessive and X-Linked Classification Criteria (2023). Collection method: clinical testing. Allele origin: unknown.
Comment: This variant is considered benign. This variant is a silent/synonymous amino acid change and it is not expected to impact splicing.

Blueprint Genetics
Classification: Likely benign. Last evaluated: 2024-07-12. Review status: criteria provided, single submitter. Criteria: ACMG Guidelines, 2015. Collection method: clinical testing. Allele origin: germline.

Fulgent Genetics
Classification: Likely benign for Familial cancer of breast; Blepharocheilodontic syndrome 1; Hereditary diffuse gastric adenocarcinoma; Ovarian cancer; Familial prostate cancer; Endometrial carcinoma. Last evaluated: 2022-05-13. Review status: criteria provided, single submitter. Criteria: ACMG Guidelines, 2015. Collection method: clinical testing. Allele origin: unknown.

Mendelics
Classification: Likely benign for Hereditary diffuse gastric adenocarcinoma. Last evaluated: 2019-05-28. Review status: criteria provided, single submitter. Criteria: Mendelics Assertion Criteria 2017. Collection method: clinical testing. Allele origin: unknown.

GeneDx
Classification: Likely benign. Last evaluated: 2017-10-31. Review status: criteria provided, single submitter. Criteria: GeneDx Variant Classification (06012015). Collection method: clinical testing. Allele origin: germline. Affected: yes.
Comment: This variant is considered likely benign or benign based on one or more of the following criteria: it is a conservative change, it occurs at a poorly conserved position in the protein, it is predicted to be benign by multiple in silico algorithms, and/or has population frequency not consistent with disease.

PreventionGenetics, part of Exact Sciences
Classification: Likely benign. Last evaluated: 2017-06-29. Review status: criteria provided, single submitter. Criteria: ACMG Guidelines, 2015. Collection method: clinical testing. Allele origin: germline.

Color Diagnostics, LLC DBA Color Health
Classification: Likely benign for Hereditary cancer-predisposing syndrome. Last evaluated: 2016-04-18. Review status: criteria provided, single submitter. Criteria: ACMG Guidelines, 2015. Collection method: clinical testing. Allele origin: germline.

Ambry Genetics
Classification: Likely benign for Hereditary cancer-predisposing syndrome. Last evaluated: 2015-11-23. Review status: criteria provided, single submitter. Criteria: Ambry Variant Classification Scheme 2023. Collection method: clinical testing. Allele origin: germline.